The following is an entry in ClinVar:

ClinVar aggregate classification (germline): Uncertain significance. Review status: criteria provided, multiple submitters, no conflicts (2 of 4 stars). 7 submissions from 7 submitters: Uncertain significance (6). 1 of the submissions does not count toward it. Last evaluated 2025-11-21.

Conditions:
BARD1-related disorder. Also called: BARD1-related condition.
Hereditary cancer-predisposing syndrome. Also called: Neoplastic Syndromes, Hereditary; Hereditary neoplastic syndrome; Hereditary Cancer Syndrome; Tumor predisposition. Identifiers: Orphanet 140162, MedGen C0027672, MeSH D009386, MONDO:0015356.
Familial cancer of breast. Also called: BREAST CANCER, FAMILIAL; Hereditary breast cancer; hereditary breast carcinoma. Identifiers: Orphanet 227535, MedGen C0346153, MONDO:0016419, OMIM 114480. Disease mechanism: loss of function.

Allele frequency attached by ClinVar (database versions not stated): gnomAD 0.00001; gnomAD exomes 0.00001 and 0.00002; TOPMed 0.00002.
gnomAD v4.1: 29 of 1,612,842 alleles (0.0018%); highest among the groups gnomAD compares: Non-Finnish European, 0.0021%; no homozygotes.

Submissions (7):

Labcorp Genetics (formerly Invitae), Labcorp
Classification: Uncertain significance for Familial cancer of breast. Last evaluated: 2025-11-21. Review status: criteria provided, single submitter. Criteria: Invitae Variant Classification Sherloc (09022015). Collection method: clinical testing. Allele origin: germline.
Comment: This sequence change replaces phenylalanine, which is neutral and non-polar, with cysteine, which is neutral and slightly polar, at codon 182 of the BARD1 protein (p.Phe182Cys). This variant is not present in population databases (gnomAD no frequency). This variant has not been reported in the literature in individuals affected with BARD1-related conditions. ClinVar contains an entry for this variant (Variation ID: 237839). An algorithm developed to predict the effect of missense changes on protein structure and function (PolyPhen-2) suggests that this variant is likely to be disruptive. In summary, the available evidence is currently insufficient to determine the role of this variant in disease. Therefore, it has been classified as a Variant of Uncertain Significance.

Ambry Genetics
Classification: Uncertain significance for Hereditary cancer-predisposing syndrome. Last evaluated: 2025-09-21. Review status: criteria provided, single submitter. Criteria: Ambry Variant Classification Scheme 2023. Collection method: clinical testing. Allele origin: germline.
Comment: The p.F182C variant (also known as c.545T>G), located in coding exon 4 of the BARD1 gene, results from a T to G substitution at nucleotide position 545. The phenylalanine at codon 182 is replaced by cysteine, an amino acid with highly dissimilar properties. This variant was reported in 2/60,466 breast cancer cases and in 1/53,461 controls (Dorling et al. N Engl J Med. 2021 02;384:428-439). This amino acid position is well conserved in available vertebrate species. In addition, the in silico prediction for this alteration is inconclusive. Since supporting evidence is limited at this time, the clinical significance of this alteration remains unclear.

PreventionGenetics, part of Exact Sciences
Classification: Uncertain significance for BARD1-related condition. Last evaluated: 2025-04-29. Review status: criteria provided, single submitter. Criteria: ACMG Guidelines, 2015. Collection method: clinical testing. Allele origin: germline.
Comment: The BARD1 c.545T>G variant is predicted to result in the amino acid substitution p.Phe182Cys. To our knowledge, this variant has not been reported in the literature in individuals affected with BARD1-related disease. This variant is reported in 0.0026% of alleles in individuals of European (Non-Finnish) descent in gnomAD, and is classified as uncertain in ClinVar. At this time, the clinical significance of this variant is uncertain due to the absence of conclusive functional and genetic evidence.

GeneDx
Classification: Uncertain significance. Last evaluated: 2024-11-24. Review status: criteria provided, single submitter. Criteria: GeneDx Variant Classification Process June 2021. Collection method: clinical testing. Allele origin: germline.
Comment: Not observed at significant frequency in large population cohorts (gnomAD); In silico analysis supports that this missense variant has a deleterious effect on protein structure/function; Observed in both cases and controls in a breast cancer case-control study (PMID: 33471991); This variant is associated with the following publications: (PMID: 33471991)

Color Diagnostics, LLC DBA Color Health
Classification: Uncertain significance for Hereditary cancer-predisposing syndrome. Last evaluated: 2024-06-24. Review status: criteria provided, single submitter. Criteria: ACMG Guidelines, 2015. Collection method: clinical testing. Allele origin: germline.
Comment: This missense variant replaces phenylalanine with cysteine at codon 182 of the BARD1 protein. Computational prediction suggests that this variant may not impact protein structure and function. To our knowledge, functional studies have not been reported for this variant. In an international breast cancer case-control meta-analysis, this variant was detected in 2/60466 cases and 1/53461 unaffected controls (PMID: 33471991). This variant has been identified in 3/250284 chromosomes in the general population by the Genome Aggregation Database (gnomAD). The available evidence is insufficient to determine the role of this variant in disease conclusively. Therefore, this variant is classified as a Variant of Uncertain Significance.

Myriad Genetics, Inc.
Classification: Uncertain significance for Familial cancer of breast. Last evaluated: 2023-02-24. Review status: criteria provided, single submitter. Criteria: Myriad Autosomal Dominant, Autosomal Recessive and X-Linked Classification Criteria (2023). Collection method: clinical testing. Allele origin: unknown.
Comment: This variant is classified as a variant of uncertain significance as there is insufficient evidence to determine its impact on protein function and/or cancer risk.

Counsyl
Classification: Uncertain significance for Familial cancer of breast. Last evaluated: 2017-11-20. Review status: no assertion criteria provided. Collection method: clinical testing. Allele origin: unknown. Not counted in ClinVar's aggregate classification.

Literature cited by the submitters: PubMed 33471991 (cited by Ambry Genetics and Color Diagnostics, LLC DBA Color Health).

NM_000465.4(BARD1):c.545T>G (p.Phe182Cys)

Gene: BARD1 (BRCA1 associated RING domain 1; minus strand). Cytogenetic location: 2q35.
Variant type: single nucleotide variant.
Coding change: c.545T>G on transcript NM_000465.4 (MANE Select); coding-DNA position 545, T replaced by G.
Protein change: p.Phe182Cys; replaces phenylalanine 182 with cysteine.
Molecular consequence: missense variant. On other transcripts: non-coding transcript variant (2), intron variant (3).
Genome position (GRCh38, 1-based): chr2:214,781,329, A>C on the plus strand (T>G on the coding strand, the complement: BARD1 is on the minus strand). VCF-style: chr2-214781329-A-C. GRCh37 (hg19) VCF-style: chr2-215646053-A-C.
Other names: c.488T>G, p.Phe163Cys (NM_001282543.2); c.158+28083T>G (NM_001282548.2); c.215+15732T>G (NM_001282545.2); c.364+10968T>G (NM_001282549.2); short protein forms F182C, F163C.
Identifiers: ClinVar variation 237839 (VCV000237839.28), dbSNP rs878854014, ClinGen allele CA10581937.